The following is an entry in ClinVar:

NM_147127.5(EVC2):c.2680del (p.Gln894fs)

Gene: EVC2 (EvC ciliary complex subunit 2; minus strand). Cytogenetic location: 4p16.2.
Variant type: Deletion.
Coding change: c.2680del on transcript NM_147127.5 (MANE Select); coding-DNA position 2680, one base deleted (C; older notation c.2680delC).
Protein change: p.Gln894fs; shifts the reading frame from glutamine 894.
Molecular consequence: frameshift variant.
Genome position (GRCh38, 1-based): chr4:5,618,504, G deleted on the plus strand (C on the coding strand, the reverse complement: EVC2 is on the minus strand); the first of 2 consecutive G bases (chr4:5,618,504-5,618,505); deleting either gives the same sequence. VCF-style (leftmost placement, unchanged base first): chr4-5618503-TG-T. GRCh37 (hg19) VCF-style: chr4-5620230-TG-T.
Other names: c.2440del, p.Gln814fs (NM_001166136.2); short protein forms Q814fs, Q894fs.
Identifiers: ClinVar variation 5013585 (VCV005013585.1).
Genomic context (GRCh38, chr4:5,618,503, plus strand): 5'-GCTTCTGTAATCGGCCACTGACAGGTCCATCCTACCTGCAGCTCAGGGGCAGCCACGGCC[TG>T]GTCCAGCTTCACGAACTCTGCTTCTCGCCACGCAGTCTGAAATTGCTGCAGCAGAACTCG-3'

ClinVar aggregate classification (germline): Pathogenic (1 of 4 stars; one submission).

Conditions:
Ellis-van Creveld syndrome (EVC). Also called: MESOECTODERMAL DYSPLASIA; Chondroectodermal dysplasia. Identifiers: Orphanet 289, MedGen C0013903, MONDO:0009162, OMIM 225500.

Submission:

Myriad Genetics, Inc.
Classification: Pathogenic for Ellis-van Creveld syndrome. Last evaluated: 2024-09-28. Review status: criteria provided, single submitter. Criteria: Myriad Autosomal Dominant, Autosomal Recessive and X-Linked Classification Criteria (2023). Collection method: clinical testing. Allele origin: unknown.
Comment: NM_147127.4(EVC2):c.2680delC(Q894Rfs*14) is expected to be pathogenic in the context of EVC2-related Ellis-van Creveld syndrome. This variant is predicted to lead to an abnormal or absent protein product due to the creation of a premature termination codon in EVC2, a gene where loss-of-function variants are known to be pathogenic. Please note: this variant was assessed in the context of healthy population screening.